The following is an entry in ClinVar:

NM_001605.3(AARS1):c.1515G>A (p.Thr505=)

Gene: AARS1 (alanyl-tRNA synthetase 1; minus strand). Cytogenetic location: 16q22.1.
Variant type: single nucleotide variant.
Coding change: c.1515G>A on transcript NM_001605.3 (MANE Select); coding-DNA position 1515, G replaced by A.
Protein change: p.Thr505=; no amino-acid change (threonine 505 retained).
Molecular consequence: synonymous variant.
Genome position (GRCh38, 1-based): chr16:70,262,502, C>T on the plus strand (G>A on the coding strand, the complement: AARS1 is on the minus strand). VCF-style: chr16-70262502-C-T. GRCh37 (hg19) VCF-style: chr16-70296405-C-T.
Identifiers: ClinVar variation 373214 (VCV000373214.6), dbSNP rs1057518288, ClinGen allele CA16043021.

ClinVar aggregate classification (germline): Conflicting classifications of pathogenicity. Review status: criteria provided, conflicting classifications (1 of 4 stars). 3 submissions from 3 submitters: Uncertain significance (1); Likely benign (2). Last evaluated 2025-07-02.

Conditions:
Charcot-Marie-Tooth disease type 2. Also called: Charcot-Marie-Tooth type 2. Identifiers: Orphanet 64746, MedGen C0270914, MONDO:0018993.
Inborn genetic diseases. Identifiers: MedGen C0950123, MeSH D030342.

Allele frequency attached by ClinVar (database versions not stated): gnomAD exomes below 0.00001; TOPMed 0.00002.
gnomAD v4.1: 7 of 1,613,422 alleles (0.00043%); highest among the groups gnomAD compares: East Asian, 0.0022%; no homozygotes.

Submissions (3):

Labcorp Genetics (formerly Invitae), Labcorp
Classification: Likely benign for Charcot-Marie-Tooth disease type 2. Last evaluated: 2025-07-02. Review status: criteria provided, single submitter. Criteria: Invitae Variant Classification Sherloc (09022015). Collection method: clinical testing. Allele origin: germline.

Ambry Genetics
Classification: Likely benign for Inborn genetic diseases. Last evaluated: 2019-07-11. Review status: criteria provided, single submitter. Criteria: Ambry Variant Classification Scheme 2023. Collection method: clinical testing. Allele origin: germline.

GeneDx
Classification: Uncertain significance. Last evaluated: 2016-11-15. Review status: criteria provided, single submitter. Criteria: GeneDx Variant Classification (06012015). Collection method: clinical testing. Allele origin: germline. Affected: yes.
Comment: The c.1515 G>A variant in the AARS gene has not been published as a pathogenic variant, nor has it been reported as a benign variant to our knowledge. The c.1515 G>A variant was not observed in approximately 6,400 individuals of European and African American ancestry in the NHLBI Exome Sequencing Project, indicating it is not a common benign variant in these populations. In-silico splice prediction models are unable to predict if the c.1515 G>A variant affect splicing of the AARS gene and in the absence of RNA/functional studies, the effect of this sequence change is unknown. Therefore, based on the currently available information, it is unclear whether this variant is a pathogenic variant or a rare benign variant.